The following is an entry in ClinVar:

ClinVar aggregate classification (germline): Uncertain significance (1 of 4 stars; one submission).

Allele frequency attached by ClinVar (database versions not stated): gnomAD exomes below 0.00001; TOPMed 0.00001.
gnomAD v4.1: 6 of 1,614,086 alleles (0.00037%); highest among the groups gnomAD compares: Admixed American, 0.0083%; no homozygotes.

Submission:

Labcorp Genetics (formerly Invitae), Labcorp
Classification: Uncertain significance. Last evaluated: 2023-08-17. Review status: criteria provided, single submitter. Criteria: Invitae Variant Classification Sherloc (09022015). Collection method: clinical testing. Allele origin: germline.
Comment: This sequence change replaces phenylalanine, which is neutral and non-polar, with leucine, which is neutral and non-polar, at codon 467 of the MARS2 protein (p.Phe467Leu). In summary, the available evidence is currently insufficient to determine the role of this variant in disease. Therefore, it has been classified as a Variant of Uncertain Significance. Advanced modeling of protein sequence and biophysical properties (such as structural, functional, and spatial information, amino acid conservation, physicochemical variation, residue mobility, and thermodynamic stability) performed at Invitae indicates that this missense variant is not expected to disrupt MARS2 protein function. ClinVar contains an entry for this variant (Variation ID: 1945892). This variant has not been reported in the literature in individuals affected with MARS2-related conditions. This variant is present in population databases (no rsID available, gnomAD 0.009%).

NM_138395.4(MARS2):c.1399T>C (p.Phe467Leu)

Gene: MARS2 (methionyl-tRNA synthetase 2, mitochondrial; plus strand). Cytogenetic location: 2q33.1.
Variant type: single nucleotide variant.
Coding change: c.1399T>C on transcript NM_138395.4 (MANE Select); coding-DNA position 1399, T replaced by C.
Protein change: p.Phe467Leu; replaces phenylalanine 467 with leucine.
Molecular consequence: missense variant.
Genome position (GRCh38, 1-based): chr2:197,706,804, T>C. VCF-style: chr2-197706804-T-C. GRCh37 (hg19) VCF-style: chr2-198571528-T-C.
Other names: short protein forms F467L.
Identifiers: ClinVar variation 1945892 (VCV001945892.5), dbSNP rs1015443509, ClinGen allele CA62879035.